The following is an entry in ClinVar:

ClinVar aggregate classification (germline): Conflicting classifications of pathogenicity. Review status: criteria provided, conflicting classifications (1 of 4 stars). 2 submissions from 2 submitters: Uncertain significance (1); Likely benign (1). Last evaluated 2025-12-30.

Allele frequency attached by ClinVar (database versions not stated): ESP Exome Variant Server 0.00015; gnomAD 0.00017; TOPMed 0.00018; ExAC 0.00021; gnomAD exomes 0.00022.
gnomAD v4.1: 345 of 1,602,560 alleles (0.022%); highest among the groups gnomAD compares: Non-Finnish European, 0.027%; no homozygotes.

Submissions (2):

Labcorp Genetics (formerly Invitae), Labcorp
Classification: Uncertain significance. Last evaluated: 2025-12-30. Review status: criteria provided, single submitter. Criteria: Invitae Variant Classification Sherloc (09022015). Collection method: clinical testing. Allele origin: germline.
Comment: This sequence change replaces asparagine, which is neutral and polar, with tyrosine, which is neutral and polar, at codon 105 of the KIF23 protein (p.Asn105Tyr). This variant is present in population databases (rs61752336, gnomAD 0.04%), and has an allele count higher than expected for a pathogenic variant. This variant has not been reported in the literature in individuals affected with KIF23-related conditions. ClinVar contains an entry for this variant (Variation ID: 2160240). Invitae Evidence Modeling of protein sequence and biophysical properties (such as structural, functional, and spatial information, amino acid conservation, physicochemical variation, residue mobility, and thermodynamic stability) indicates that this missense variant is expected to disrupt KIF23 protein function with a positive predictive value of 80%. In summary, the available evidence is currently insufficient to determine the role of this variant in disease. Therefore, it has been classified as a Variant of Uncertain Significance.

Blueprint Genetics
Classification: Likely benign. Last evaluated: 2024-11-26. Review status: criteria provided, single submitter. Criteria: ACMG Guidelines, 2015. Collection method: clinical testing. Allele origin: germline.

NM_001367805.3(KIF23):c.313A>T (p.Asn105Tyr)

Gene: KIF23 (kinesin family member 23; plus strand). Cytogenetic location: 15q23.
Variant type: single nucleotide variant.
Coding change: c.313A>T on transcript NM_001367805.3 (MANE Select); coding-DNA position 313, A replaced by T.
Protein change: p.Asn105Tyr; replaces asparagine 105 with tyrosine.
Molecular consequence: missense variant. On other transcripts: non-coding transcript variant (2).
Genome position (GRCh38, 1-based): chr15:69,421,749, A>T. VCF-style: chr15-69421749-A-T. GRCh37 (hg19) VCF-style: chr15-69714088-A-T.
Other names: c.120A>T, p.Lys40Asn (NM_001281301.2); c.313A>T, p.Asn105Tyr (NM_001367804.2, NM_004856.7, NM_138555.4); short protein forms K40N, N105Y.
Identifiers: ClinVar variation 2160240 (VCV002160240.5), dbSNP rs61752336, ClinGen allele CA7634865.